The following is an entry in ClinVar:

NM_022124.6(CDH23):c.385G>A (p.Ala129Thr)

Genes: CDH23 (cadherin related 23; plus strand), CDH23-AS1 (CDH23 antisense RNA 1; minus strand). Cytogenetic location: 10q22.1.
Variant type: single nucleotide variant.
Coding change: c.385G>A on transcript NM_022124.6 (MANE Select); coding-DNA position 385, G replaced by A.
Protein change: p.Ala129Thr; replaces alanine 129 with threonine.
Molecular consequence: missense variant.
Genome position (GRCh38, 1-based): chr10:71,511,168, G>A. VCF-style: chr10-71511168-G-A. GRCh37 (hg19) VCF-style: chr10-73270925-G-A.
Other names: c.385G>A, p.Ala129Thr (NM_001171930.2, NM_001171931.2, NM_001171932.2 and 1 more transcripts); short protein forms A129T.
Identifiers: ClinVar variation 178293 (VCV000178293.21), dbSNP rs200328570, ClinGen allele CA182054.

ClinVar aggregate classification (germline): Uncertain significance. Review status: criteria provided, multiple submitters, no conflicts (2 of 4 stars). 9 submissions from 8 submitters: Uncertain significance (7). 2 of the submissions do not count toward it. Last evaluated 2025-01-22.

Conditions:
CDH23-related disorder. Also called: CDH23-related condition; CDH23-related disorders.
Inborn genetic diseases. Identifiers: MedGen C0950123, MeSH D030342.
Usher syndrome type 1 (USH1). Also called: RETINITIS PIGMENTOSA AND CONGENITAL DEAFNESS. Identifiers: Orphanet 231169, Orphanet 886, MedGen C1568247, MONDO:0010168, OMIM 276900.
Autosomal recessive nonsyndromic hearing loss 12. Also called: DEAFNESS, AUTOSOMAL RECESSIVE 12. Identifiers: Orphanet 90636, MedGen C1832394, MONDO:0011067, OMIM 601386.
Usher syndrome type 1D (USH1D). Also called: USHER SYNDROME, TYPE ID. Identifiers: Orphanet 231169, Orphanet 886, MedGen C1832845, MONDO:0010984, OMIM 601067.

Allele frequency attached by ClinVar (database versions not stated): gnomAD exomes 0.00024 and 0.00056; ExAC 0.00025; TOPMed 0.00025; gnomAD 0.00028 and 0.00030; 1000 Genomes Project 0.00040; 1000 Genomes Project 30x 0.00047; ESP Exome Variant Server 0.00057.

Submissions (9):

Ambry Genetics
Classification: Uncertain significance for Inborn genetic diseases. Last evaluated: 2025-01-22. Review status: criteria provided, single submitter. Criteria: Ambry Variant Classification Scheme 2023. Collection method: clinical testing. Allele origin: germline.

Labcorp Genetics (formerly Invitae), Labcorp
Classification: Uncertain significance. Last evaluated: 2022-10-13. Review status: criteria provided, single submitter. Criteria: Invitae Variant Classification Sherloc (09022015). Collection method: clinical testing. Allele origin: germline.
Comment: This sequence change replaces alanine, which is neutral and non-polar, with threonine, which is neutral and polar, at codon 129 of the CDH23 protein (p.Ala129Thr). This variant is present in population databases (rs200328570, gnomAD 0.05%). This variant has not been reported in the literature in individuals affected with CDH23-related conditions. ClinVar contains an entry for this variant (Variation ID: 178293). Advanced modeling of protein sequence and biophysical properties (such as structural, functional, and spatial information, amino acid conservation, physicochemical variation, residue mobility, and thermodynamic stability) performed at Invitae indicates that this missense variant is not expected to disrupt CDH23 protein function. In summary, the available evidence is currently insufficient to determine the role of this variant in disease. Therefore, it has been classified as a Variant of Uncertain Significance.

GeneDx
Classification: Uncertain significance. Last evaluated: 2021-08-04. Review status: criteria provided, single submitter. Criteria: GeneDx Variant Classification Process June 2021. Collection method: clinical testing. Allele origin: germline. Affected: yes.
Comment: In silico analysis supports that this missense variant does not alter protein structure/function; Has not been previously published as pathogenic or benign to our knowledge

Illumina Laboratory Services, Illumina
Classification: Uncertain significance for Usher syndrome type 1D. Last evaluated: 2018-01-12. Review status: criteria provided, single submitter. Criteria: ICSL Variant Classification Criteria 13 December 2019. Collection method: clinical testing. Allele origin: germline.

Illumina Laboratory Services, Illumina
Classification: Uncertain significance for Autosomal recessive nonsyndromic hearing loss 12. Last evaluated: 2018-01-12. Review status: criteria provided, single submitter. Criteria: ICSL Variant Classification Criteria 13 December 2019. Collection method: clinical testing. Allele origin: germline.

Laboratory for Molecular Medicine, Mass General Brigham Personalized Medicine
Classification: Uncertain significance. Last evaluated: 2017-08-10. Review status: criteria provided, single submitter. Criteria: LMM Criteria. Collection method: clinical testing. Allele origin: germline. Observed: 7 variant alleles.
Comment: The p.Ala129Thr variant in CDH23 has been previously identified by our laborator y in 4 individuals with hearing loss; however, a variant affecting the remaining copy of CDH23 was not identified in any of these individuals and one had an alt ernate genetic etiology. This variant has been identified in 0.05% (15/30782) of South Asian chromosomes and 0.04% (47/126656) of European chromosomes by the Ge nome Aggregation Database (gnomAD; dbSNP rs200 328570); however, this frequency is not high enough to rule out a pathogenic rol e. Computational prediction tools do not provide strong support for or against a n impact to the protein. In summary, the clinical significance of the p.Ala129Th r variant is uncertain.

Eurofins Ntd Llc (ga)
Classification: Uncertain significance. Last evaluated: 2015-09-22. Review status: criteria provided, single submitter. Criteria: EGL Classification Definitions 2015. Collection method: clinical testing. Allele origin: germline. Observed: 1 variant allele, 1 heterozygote.

PreventionGenetics, part of Exact Sciences
Classification: Uncertain significance for CDH23-related condition. Last evaluated: 2024-09-23. Review status: no assertion criteria provided. Collection method: clinical testing. Allele origin: germline. Not counted in ClinVar's aggregate classification.
Comment: The CDH23 c.385G>A variant is predicted to result in the amino acid substitution p.Ala129Thr. To our knowledge, this variant has not been reported in the literature. This variant is reported in 0.049% of alleles in individuals of South Asian descent in gnomAD. At this time, the clinical significance of this variant is uncertain due to the absence of conclusive functional and genetic evidence.

Natera, Inc.
Classification: Uncertain significance for Usher syndrome type 1. Last evaluated: 2020-04-15. Review status: no assertion criteria provided. Collection method: clinical testing. Allele origin: germline. Not counted in ClinVar's aggregate classification.